The following is an entry in ClinVar:

ClinVar aggregate classification (germline): Uncertain significance. Review status: criteria provided, multiple submitters, no conflicts (2 of 4 stars). 2 submissions from 2 submitters: Uncertain significance (2). Last evaluated 2024-10-15.

Conditions:
Hereditary cancer-predisposing syndrome. Also called: Hereditary neoplastic syndrome; Neoplastic Syndromes, Hereditary; Hereditary Cancer Syndrome; Tumor predisposition. Identifiers: Orphanet 140162, MedGen C0027672, MeSH D009386, MONDO:0015356.

Submissions (2):

Ambry Genetics
Classification: Uncertain significance for Hereditary cancer-predisposing syndrome. Last evaluated: 2024-10-15. Review status: criteria provided, single submitter. Criteria: Ambry Variant Classification Scheme 2023. Collection method: clinical testing. Allele origin: germline.
Comment: The c.986+5G>C intronic variant results from a G to C substitution 5 nucleotides after coding exon 7 in the SMARCB1 gene. This nucleotide position is well conserved in available vertebrate species. In silico splice site analysis predicts that this alteration will not have any significant effect on splicing. RNA studies have demonstrated that this alteration results in a splice defect; the clinical impact of this abnormal splicing is unknown at this time (Ambry internal data). Based on the available evidence, the clinical significance of this variant remains unclear.

Labcorp Genetics (formerly Invitae), Labcorp
Classification: Uncertain significance. Last evaluated: 2023-12-19. Review status: criteria provided, single submitter. Criteria: Invitae Variant Classification Sherloc (09022015). Collection method: clinical testing. Allele origin: germline.
Comment: This sequence change falls in intron 7 of the SMARCB1 gene. It does not directly change the encoded amino acid sequence of the SMARCB1 protein. It affects a nucleotide within the consensus splice site. This variant is not present in population databases (gnomAD no frequency). This variant has not been reported in the literature in individuals affected with SMARCB1-related conditions. Variants that disrupt the consensus splice site are a relatively common cause of aberrant splicing (PMID: 17576681, 9536098). Algorithms developed to predict the effect of sequence changes on RNA splicing suggest that this variant is not likely to affect RNA splicing. In summary, the available evidence is currently insufficient to determine the role of this variant in disease. Therefore, it has been classified as a Variant of Uncertain Significance.

Literature cited by the submitters: PubMed 17576681 (cited by Labcorp Genetics (formerly Invitae), Labcorp); PubMed 9536098 (cited by Labcorp Genetics (formerly Invitae), Labcorp).

NM_003073.5(SMARCB1):c.986+5G>C

Gene: SMARCB1 (SWI/SNF related BAF chromatin remodeling complex subunit B1; plus strand). Cytogenetic location: 22q11.23.
Variant type: single nucleotide variant.
Coding change: c.986+5G>C on transcript NM_003073.5 (MANE Select); 5 bases into the intron after coding-DNA position 986, G replaced by C.
Molecular consequence: intron variant.
Genome position (GRCh38, 1-based): chr22:23,825,420, G>C. VCF-style: chr22-23825420-G-C. GRCh37 (hg19) VCF-style: chr22-24167607-G-C.
Other names: c.1040+5G>C (NM_001362877.2); c.1013+5G>C (NM_001317946.2); c.959+5G>C (NM_001007468.3); c.986+5G>C (NM_003073.3).
Identifiers: ClinVar variation 2704062 (VCV002704062.4), dbSNP rs1555880607, ClinGen allele CA2697552589.